The following is an entry in ClinVar:

NM_001843.4(CNTN1):c.2184+9T>G

Gene: CNTN1 (contactin 1; plus strand). Cytogenetic location: 12q12.
Variant type: single nucleotide variant.
Coding change: c.2184+9T>G on transcript NM_001843.4 (MANE Select); 9 bases into the intron after coding-DNA position 2184, T replaced by G.
Molecular consequence: intron variant.
Genome position (GRCh38, 1-based): chr12:41,014,307, T>G. VCF-style: chr12-41014307-T-G. GRCh37 (hg19) VCF-style: chr12-41408109-T-G.
Other names: c.2151+9T>G (NM_175038.2).
Identifiers: ClinVar variation 3045858 (VCV003045858.2), dbSNP rs1948731966, ClinGen allele CA946888728.

ClinVar aggregate classification (germline): Likely benign (0 of 4 stars; one submission).

Conditions:
CNTN1-related disorder. Also called: CNTN1-related condition.

Allele frequency attached by ClinVar (database versions not stated): gnomAD 0.00001; TOPMed 0.00001.
gnomAD v4.1: 1 of 1,613,486 alleles (0.000062%); highest among the groups gnomAD compares: African/African-American, 0.0013%; no homozygotes.

Submission:

PreventionGenetics, part of Exact Sciences
Classification: Likely benign for CNTN1-related condition. Last evaluated: 2020-10-12. Review status: no assertion criteria provided. Collection method: clinical testing. Allele origin: germline.
Comment: This variant is classified as likely benign based on ACMG/AMP sequence variant interpretation guidelines (Richards et al. 2015 PMID: 25741868, with internal and published modifications).